The following is an entry in ClinVar:

ClinVar aggregate classification (germline): Benign/Likely benign. Review status: criteria provided, multiple submitters, no conflicts (2 of 4 stars). 7 submissions from 7 submitters: Benign (5); Likely benign (2). Last evaluated 2024-11-28.

Conditions:
Primary ciliary dyskinesia 17. Also called: CILIARY DYSKINESIA, PRIMARY, 17, WITH OR WITHOUT SITUS INVERSUS. Identifiers: Orphanet 244, MedGen C3542550, MONDO:0013854, OMIM 614679.

Allele frequency attached by ClinVar (database versions not stated): 1000 Genomes Project 30x 0.24204; 1000 Genomes Project 0.24361; ESP Exome Variant Server 0.25232; TOPMed 0.25294; gnomAD 0.26171 and 0.26209; gnomAD exomes 0.27124; ExAC 0.32672.
gnomAD v4.1: 416,595 of 1,533,062 alleles (27%); highest among the groups gnomAD compares: South Asian, 28%; 56,859 homozygotes.

Submissions (7):

Blueprint Genetics
Classification: Likely benign. Last evaluated: 2024-11-28. Review status: criteria provided, single submitter. Criteria: ACMG Guidelines, 2015. Collection method: clinical testing. Allele origin: germline.

Mayo Clinic Laboratories, Mayo Clinic
Classification: Benign. Last evaluated: 2022-04-26. Review status: criteria provided, single submitter. Criteria: ACMG Guidelines, 2015. Collection method: clinical testing. Allele origin: germline. Observed: 86 variant alleles.

GeneDx
Classification: Benign. Last evaluated: 2018-07-05. Review status: criteria provided, single submitter. Criteria: GeneDx Variant Classification Process June 2021. Collection method: clinical testing. Allele origin: germline. Affected: yes.

Illumina Laboratory Services, Illumina
Classification: Benign for Primary ciliary dyskinesia 17. Last evaluated: 2018-01-13. Review status: criteria provided, single submitter. Criteria: ICSL Variant Classification Criteria 13 December 2019. Collection method: clinical testing. Allele origin: germline.
Comment: This variant was observed in the ICSL laboratory as part of a predisposition screen in an ostensibly healthy population. It had not been previously curated by ICSL or reported in the Human Gene Mutation Database (HGMD: prior to June 1st, 2018), and was therefore a candidate for classification through an automated scoring system. Utilizing variant allele frequency, disease prevalence and penetrance estimates, and inheritance mode, an automated score was calculated to assess if this variant is too frequent to cause the disease. Based on the score and internal cut-off values, a variant classified as benign is not then subjected to further curation. The score for this variant resulted in a classification of benign for this disease.

Laboratory for Molecular Medicine, Mass General Brigham Personalized Medicine
Classification: Benign. Last evaluated: 2016-03-29. Review status: criteria provided, single submitter. Criteria: LMM Criteria. Collection method: clinical testing. Allele origin: germline.
Comment: Variant identified in a genome or exome case(s) and assessed due to predicted null impact of the variant or pathogenic assertions in the literature or databases. Disclaimer: This variant has not undergone full assessment. The following are preliminary notes: Frequency

Breakthrough Genomics
Classification: Likely benign. Review status: criteria provided, single submitter. Criteria: ACMG Guidelines, 2015. Collection method: not provided. Allele origin: germline. Inheritance: Autosomal recessive inheritance. Affected: yes.

PreventionGenetics, part of Exact Sciences
Classification: Benign. Review status: criteria provided, single submitter. Criteria: ACMG Guidelines, 2015. Collection method: clinical testing. Allele origin: germline.

NM_213607.3(DNAAF19):c.*4G>A

Gene: DNAAF19 (dynein axonemal assembly factor 19; plus strand). Cytogenetic location: 17q21.31.
Variant type: single nucleotide variant.
Coding change: c.*4G>A on transcript NM_213607.3 (MANE Select); 4 bases downstream of the stop codon, G replaced by A.
Molecular consequence: 3 prime UTR variant.
Genome position (GRCh38, 1-based): chr17:44,902,821, G>A. VCF-style: chr17-44902821-G-A. GRCh37 (hg19) VCF-style: chr17-42980189-G-A.
Other names: c.*4G>A (NM_001258395.2, NM_001258396.2); c.*483G>A (NM_001258397.3); c.*422G>A (NM_001258398.3, NM_001258399.2).
Identifiers: ClinVar variation 263317 (VCV000263317.14), dbSNP rs8079308, ClinGen allele CA8608429.
Genomic context (GRCh38, chr17:44,902,821, plus strand): 5'-CTCCAGGAGGAGGAGAGGCTCCTGCAGGAGCTGCTGGAGCTGTACCAGGTTGACTGATGC[G>A]GCAAGCTACCCTCAGAGGTCCCAGTGGTCACTGGAGGCAGTTTTTTGGTTGTTGTCTTGG-3'